The following is an entry in ClinVar:

ClinVar aggregate classification (germline): Uncertain significance. Review status: criteria provided, multiple submitters, no conflicts (2 of 4 stars). 2 submissions from 2 submitters: Uncertain significance (2). Last evaluated 2024-04-03.

Conditions:
Neurofibromatosis, type 1 (NF1). Also called: VON RECKLINGHAUSEN DISEASE; NEUROFIBROMATOSIS, TYPE I, SOMATIC; Peripheral type neurofibromatosis; Neurofibromatosis, type I. Identifiers: Orphanet 636, MedGen C0027831, MONDO:0018975, OMIM 162200. Disease mechanism: loss of function.
Hereditary cancer-predisposing syndrome. Also called: Hereditary neoplastic syndrome; Neoplastic Syndromes, Hereditary; Tumor predisposition; Hereditary Cancer Syndrome. Identifiers: Orphanet 140162, MedGen C0027672, MeSH D009386, MONDO:0015356.
Cardiovascular phenotype. Identifiers: MedGen CN230736.

Allele frequency attached by ClinVar (database versions not stated): gnomAD 0.00001.

Submissions (2):

Labcorp Genetics (formerly Invitae), Labcorp
Classification: Uncertain significance for Neurofibromatosis, type 1. Last evaluated: 2024-04-03. Review status: criteria provided, single submitter. Criteria: Invitae Variant Classification Sherloc (09022015). Collection method: clinical testing. Allele origin: germline.
Comment: This sequence change replaces alanine, which is neutral and non-polar, with serine, which is neutral and polar, at codon 776 of the NF1 protein (p.Ala776Ser). This variant is not present in population databases (gnomAD no frequency). This variant has not been reported in the literature in individuals affected with NF1-related conditions. ClinVar contains an entry for this variant (Variation ID: 1046074). An algorithm developed to predict the effect of missense changes on protein structure and function (PolyPhen-2) suggests that this variant is likely to be disruptive. Algorithms developed to predict the effect of sequence changes on RNA splicing suggest that this variant may disrupt the consensus splice site. In summary, the available evidence is currently insufficient to determine the role of this variant in disease. Therefore, it has been classified as a Variant of Uncertain Significance.

Ambry Genetics
Classification: Uncertain significance for Cardiovascular phenotype; Hereditary cancer-predisposing syndrome. Last evaluated: 2022-02-24. Review status: criteria provided, single submitter. Criteria: Ambry Variant Classification Scheme 2023. Collection method: clinical testing. Allele origin: germline.
Comment: The c.2326G>T variant (also known as p.A776S), located in coding exon 20 of the NF1 gene, results from a G to T substitution at nucleotide position 2326. The alanine at codon 776 is replaced by serine, an amino acid with similar properties. However, this change occurs in the first base pair of coding exon 20, which means it may have some effect on normal mRNA splicing. This nucleotide position is highly conserved in available vertebrate species. In silico splice site analysis predicts that this alteration will not have any significant effect on splicing. RNA studies have demonstrated that this alteration results in an incomplete splice defect; the clinical impact of this abnormal splicing is unknown at this time (Ambry internal data). In addition, as a missense substitution this is predicted to be inconclusive by in silico analysis. Since supporting evidence is limited at this time, the clinical significance of this alteration remains unclear.

NM_001042492.3(NF1):c.2326G>T (p.Ala776Ser)

Gene: NF1 (neurofibromin 1; plus strand). Cytogenetic location: 17q11.2.
Variant type: single nucleotide variant.
Coding change: c.2326G>T on transcript NM_001042492.3 (MANE Select); coding-DNA position 2326, G replaced by T.
Protein change: p.Ala776Ser; replaces alanine 776 with serine.
Molecular consequence: missense variant.
Genome position (GRCh38, 1-based): chr17:31,227,523, G>T. VCF-style: chr17-31227523-G-T. GRCh37 (hg19) VCF-style: chr17-29554541-G-T.
Other names: c.2326G>T, p.Ala776Ser (NM_000267.4); short protein forms A776S.
Identifiers: ClinVar variation 1046074 (VCV001046074.7), dbSNP rs199474771, ClinGen allele CA398982998.
Genomic context (GRCh38, chr17:31,227,523, plus strand): 5'-GCTGATTGATGTTTAGCTCTAGACTAAGTTGCTTTCAAGTGATAATTGCCTTCATTTTAG[G>T]CTTGGGAAGATACACATGCAAAATGGGAACAAGCAACAAAGCTAATCCTTAACTATCCAA-3'
Protein context (NP_001035957.1, residues 766-786): IEHPTAGNTE[Ala776Ser]WEDTHAKWEQ